The following is an entry in ClinVar:

NM_000536.4(RAG2):c.1384G>A (p.Ala462Thr)

Gene: RAG2 (recombination activating 2; minus strand). Cytogenetic location: 11p12.
Variant type: single nucleotide variant.
Coding change: c.1384G>A on transcript NM_000536.4 (MANE Select); coding-DNA position 1384, G replaced by A.
Protein change: p.Ala462Thr; replaces alanine 462 with threonine.
Molecular consequence: missense variant.
Genome position (GRCh38, 1-based): chr11:36,592,785, C>T on the plus strand (G>A on the coding strand, the complement: RAG2 is on the minus strand). VCF-style: chr11-36592785-C-T. GRCh37 (hg19) VCF-style: chr11-36614335-C-T.
Other names: c.1384G>A (NM_000536.3); c.1384G>A, p.Ala462Thr (NM_001243785.2, NM_001243786.2); short protein forms A462T.
Identifiers: ClinVar variation 2940816 (VCV002940816.4), dbSNP rs1276596527, ClinGen allele CA380140477.

ClinVar aggregate classification (germline): Uncertain significance. Review status: criteria provided, multiple submitters, no conflicts (2 of 4 stars). 2 submissions from 2 submitters: Uncertain significance (2). Last evaluated 2024-11-13.

Conditions:
Severe combined immunodeficiency, autosomal recessive, T cell-negative, B cell-negative, NK cell-positive. Also called: SCID, T CELL-NEGATIVE, B CELL-NEGATIVE, NK CELL-POSITIVE; SCID, AR, T-cell negative, B-cell negative, NK cell-positive; Severe combined immunodeficiency due to complete RAG1/2 deficiency. Identifiers: Orphanet 331206, MedGen C1832322, MONDO:0011086, OMIM 601457.
Combined immunodeficiency with skin granulomas. Identifiers: Orphanet 157949, MedGen C2673536, MONDO:0009306, OMIM 233650.
Inborn genetic diseases. Identifiers: MedGen C0950123, MeSH D030342.

Allele frequency attached by ClinVar (database versions not stated): gnomAD exomes below 0.00001.
gnomAD v4.1: 4 of 1,614,076 alleles (0.00025%); highest among the groups gnomAD compares: Non-Finnish European, 0.00034%; no homozygotes.

Submissions (2):

Ambry Genetics
Classification: Uncertain significance for Inborn genetic diseases. Last evaluated: 2024-11-13. Review status: criteria provided, single submitter. Criteria: Ambry Variant Classification Scheme 2023. Collection method: clinical testing. Allele origin: germline.

Labcorp Genetics (formerly Invitae), Labcorp
Classification: Uncertain significance for Combined immunodeficiency with skin granulomas; Severe combined immunodeficiency, autosomal recessive, T cell-negative, B cell-negative, NK cell-positive. Last evaluated: 2023-03-20. Review status: criteria provided, single submitter. Criteria: Invitae Variant Classification Sherloc (09022015). Collection method: clinical testing. Allele origin: germline.
Comment: This sequence change replaces alanine, which is neutral and non-polar, with threonine, which is neutral and polar, at codon 462 of the RAG2 protein (p.Ala462Thr). This variant is present in population databases (no rsID available, gnomAD 0.0009%). This variant has not been reported in the literature in individuals affected with RAG2-related conditions. Advanced modeling of protein sequence and biophysical properties (such as structural, functional, and spatial information, amino acid conservation, physicochemical variation, residue mobility, and thermodynamic stability) has been performed at Invitae for this missense variant, however the output from this modeling did not meet the statistical confidence thresholds required to predict the impact of this variant on RAG2 protein function. In summary, the available evidence is currently insufficient to determine the role of this variant in disease. Therefore, it has been classified as a Variant of Uncertain Significance.